The following is an entry in ClinVar:

ClinVar aggregate classification (germline): Conflicting classifications of pathogenicity. Review status: criteria provided, conflicting classifications (1 of 4 stars). 2 submissions from 2 submitters: Uncertain significance (1); Likely benign (1). Last evaluated 2024-06-30.

Conditions:
Inborn genetic diseases. Identifiers: MedGen C0950123, MeSH D030342.

gnomAD v4.1: 5 of 1,614,186 alleles (0.00031%); highest among the groups gnomAD compares: South Asian, 0.0055%; no homozygotes.

Submissions (2):

Labcorp Genetics (formerly Invitae), Labcorp
Classification: Uncertain significance. Last evaluated: 2024-06-30. Review status: criteria provided, single submitter. Criteria: Invitae Variant Classification Sherloc (09022015). Collection method: clinical testing. Allele origin: germline.
Comment: This sequence change replaces phenylalanine, which is neutral and non-polar, with serine, which is neutral and polar, at codon 257 of the MBD4 protein (p.Phe257Ser). This variant is present in population databases (rs368132522, gnomAD 0.003%). This variant has not been reported in the literature in individuals affected with MBD4-related conditions. Algorithms developed to predict the effect of missense changes on protein structure and function output the following: SIFT: "Not Available"; PolyPhen-2: "Benign"; Align-GVGD: "Not Available". The serine amino acid residue is found in multiple mammalian species, which suggests that this missense change does not adversely affect protein function. In summary, the available evidence is currently insufficient to determine the role of this variant in disease. Therefore, it has been classified as a Variant of Uncertain Significance.

Ambry Genetics
Classification: Likely benign for Inborn genetic diseases. Last evaluated: 2024-04-09. Review status: criteria provided, single submitter. Criteria: Ambry Variant Classification Scheme 2023. Collection method: clinical testing. Allele origin: germline.

NM_001276270.2(MBD4):c.770T>C (p.Phe257Ser)

Gene: MBD4 (methyl-CpG binding domain 4, DNA glycosylase; minus strand). Cytogenetic location: 3q21.3.
Variant type: single nucleotide variant.
Coding change: c.770T>C on transcript NM_001276270.2 (MANE Select); coding-DNA position 770, T replaced by C.
Protein change: p.Phe257Ser; replaces phenylalanine 257 with serine.
Molecular consequence: missense variant. On other transcripts: intron variant (1).
Genome position (GRCh38, 1-based): chr3:129,436,874, A>G on the plus strand (T>C on the coding strand, the complement: MBD4 is on the minus strand). VCF-style: chr3-129436874-A-G. GRCh37 (hg19) VCF-style: chr3-129155717-A-G.
Other names: c.770T>C, p.Phe257Ser (NM_001276271.2, NM_001276272.2, NM_003925.3); c.247+934T>C (NM_001276273.2); short protein forms F257S.
Identifiers: ClinVar variation 3293508 (VCV003293508.2).